The following is an entry in ClinVar:

NM_144999.4(LRRC45):c.1564G>A (p.Ala522Thr)

Gene: LRRC45 (leucine rich repeat containing 45; plus strand). Cytogenetic location: 17q25.3.
Variant type: single nucleotide variant.
Coding change: c.1564G>A on transcript NM_144999.4 (MANE Select); coding-DNA position 1564, G replaced by A.
Protein change: p.Ala522Thr; replaces alanine 522 with threonine.
Molecular consequence: missense variant.
Genome position (GRCh38, 1-based): chr17:82,030,134, G>A. VCF-style: chr17-82030134-G-A. GRCh37 (hg19) VCF-style: chr17-79988010-G-A.
Other names: short protein forms A522T.
Identifiers: ClinVar variation 5001584 (VCV005001584.1).
Genomic context (GRCh38, chr17:82,030,134, plus strand): 5'-CTGGCTCACCTGGAGGACAAGCTGAGACTGCTGGCGCAGGCACGGGACGAGGCGCAGGGC[G>A]CTTGCCTACAGCAGAAGCAGGTGGTGGCCGAGGCCCAGACCCGGGTCAGCCAGCTGGGCC-3'
Protein context (NP_659436.1, residues 512-532): LAQARDEAQG[Ala522Thr]CLQQKQVVAE

ClinVar aggregate classification (germline): Uncertain significance (1 of 4 stars; one submission).

Conditions:
LRRC45-related disorder. Also called: LRRC45-related condition.

gnomAD v4.1: 6 of 1,547,928 alleles (0.00039%); highest among the groups gnomAD compares: East Asian, 0.0024%; no homozygotes.

Submission:

PreventionGenetics, part of Exact Sciences
Classification: Uncertain significance for LRRC45-related condition. Last evaluated: 2024-12-31. Review status: criteria provided, single submitter. Criteria: ACMG Guidelines, 2015. Collection method: clinical testing. Allele origin: germline.
Comment: The LRRC45 c.1564G>A variant is predicted to result in the amino acid substitution p.Ala522Thr. To our knowledge, this variant has not been reported in the literature. This variant is reported in 0.0079% of alleles in individuals of East Asian descent in gnomAD. At this time, the clinical significance of this variant is uncertain due to the absence of conclusive functional and genetic evidence.